The following is an entry in ClinVar:

NM_001164508.2(NEB):c.13788+1G>A

Gene: NEB (nebulin; minus strand). Cytogenetic location: 2q23.3.
Variant type: single nucleotide variant.
Coding change: c.13788+1G>A on transcript NM_001164508.2 (MANE Select); the canonical splice donor site of the intron after coding-DNA position 13788, G replaced by A.
Molecular consequence: splice donor variant. On other transcripts: intron variant (1).
Genome position (GRCh38, 1-based): chr2:151,600,441, C>T on the plus strand (G>A on the coding strand, the complement: NEB is on the minus strand). VCF-style: chr2-151600441-C-T. GRCh37 (hg19) VCF-style: chr2-152456955-C-T.
Other names: c.11601+9368G>A (NM_004543.5); c.13788+1G>A (NM_001164507.2, NM_001271208.2).
Identifiers: ClinVar variation 465492 (VCV000465492.42), dbSNP rs1553862061, ClinGen allele CA348768014.

ClinVar aggregate classification (germline): Pathogenic/Likely pathogenic. Review status: criteria provided, multiple submitters, no conflicts (2 of 4 stars). 5 submissions from 5 submitters: Pathogenic (3); Likely pathogenic (2). Last evaluated 2026-03-30.

Conditions:
NEB-related disorder. Also called: NEB-Related Disorders; NEB-related condition.
Nemaline myopathy 2 (NEM2). Also called: Nemaline myopathy 2, autosomal recessive. Identifiers: MedGen C1850569, MONDO:0009725, OMIM 256030.

Submissions (5):

PreventionGenetics, part of Exact Sciences
Classification: Pathogenic for NEB-related condition. Last evaluated: 2026-03-30. Review status: criteria provided, single submitter. Criteria: ACMG Guidelines, 2015. Collection method: clinical testing. Allele origin: germline.
Comment: The NEB c.13788+1G>A variant is predicted to disrupt the GT donor site and interfere with normal splicing. This variant was reported in the heterozygous state along with a second variant affecting splicing in an individual with nemaline myopathy (Table S1, Lehtokari et al. 2014. PubMed ID: 25205138). This variant has not been reported in a large population database (gnomAD), indicating this variant is rare. Variants that disrupt the consensus splice donor site in NEB are expected to be pathogenic. This variant is interpreted as pathogenic.

Natera, Inc.
Classification: Likely pathogenic for Nemaline myopathy type 2. Last evaluated: 2026-01-22. Review status: criteria provided, single submitter. Criteria: Natera Variant Classification Schema (03/2026). Collection method: clinical testing. Allele origin: germline.
Comment: The c.13788+1G>A variant in NEB is a canonical splice donor site variant predicted to affect pre-mRNA splicing, which may result in an abnormal transcript and altered protein product. This variant may result in a truncated or dysfunctional protein product. This variant is rare in the general population with a frequency below the threshold expected for the associated phenotype(s). This variant has been observed in one or more individuals affected with the associated recessive disease, as either homozygous or compound heterozygous with a second variant (PMID: 25205138). This variant has been identified in one or more affected individual with a phenotype highly consistent with the associated gene (PMID: 25205138). Given the available evidence, this variant is classified as Likely Pathogenic.

Labcorp Genetics (formerly Invitae), Labcorp
Classification: Pathogenic for Nemaline myopathy 2. Last evaluated: 2026-01-20. Review status: criteria provided, single submitter. Criteria: Invitae Variant Classification Sherloc (09022015). Collection method: clinical testing. Allele origin: germline.
Comment: This variant occurs in a region of NEB (Exons 82-105) consisting of three highly homologous 8-exon repeat units (exons 82-89, exons 90-97, exons 98-105). Sequence variants in this region can be detected, but this assay cannot determine which of the three repeat units is affected, and zygosity is often ambiguous. All variants in this region are reported relative to the exon 82-89 repeat. This sequence change affects a donor splice site in intron 89 of the NEB gene. It is expected to disrupt RNA splicing. Variants that disrupt the donor or acceptor splice site typically lead to a loss of protein function (PMID: 16199547), and loss-of-function variants in NEB are known to be pathogenic (PMID: 25205138). The frequency data for this variant in the population databases (gnomAD) is considered unreliable due to the presence of homologous sequence, such as pseudogenes or paralogs, in the genome. Disruption of this splice site has been observed in individual(s) with nemaline myopathy (PMID: 25205138; internal data). In at least one individual the data is consistent with being in trans (on the opposite chromosome) from a pathogenic variant. ClinVar contains an entry for this variant (Variation ID: 465492). Algorithms developed to predict the effect of sequence changes on RNA splicing suggest that this variant may disrupt the consensus splice site. For these reasons, this variant has been classified as Pathogenic.

CeGaT Center for Human Genetics Tuebingen
Classification: Pathogenic. Last evaluated: 2023-02-01. Review status: criteria provided, single submitter. Criteria: CeGaT Center For Human Genetics Tuebingen Variant Classification Criteria Version 2. Collection method: clinical testing. Allele origin: germline. Affected: yes. Observed: 2 variant alleles.
Comment: NEB: PVS1, PM2, PM3

MGZ Medical Genetics Center
Classification: Likely pathogenic for Nemaline myopathy 2. Last evaluated: 2021-07-19. Review status: criteria provided, single submitter. Criteria: ACMG Guidelines, 2015. Collection method: clinical testing. Allele origin: germline. Affected: yes. Observed: 1 variant allele.
Comment: ACMG criteria applied: PVS1, PM2_SUP

Literature cited by the submitters: PubMed 25205138 (cited by Natera, Inc. and Labcorp Genetics (formerly Invitae), Labcorp); PubMed 16199547 (cited by Labcorp Genetics (formerly Invitae), Labcorp).